The following is an entry in ClinVar:

NM_181836.6(TMED7):c.324T>G (p.Phe108Leu)

Genes: TMED7 (transmembrane p24 trafficking protein 7; minus strand), TMED7-TICAM2 (TMED7-TICAM2 readthrough; minus strand). Cytogenetic location: 5q22.3.
Variant type: single nucleotide variant.
Coding change: c.324T>G on transcript NM_181836.6 (MANE Select); coding-DNA position 324, T replaced by G.
Protein change: p.Phe108Leu; replaces phenylalanine 108 with leucine.
Molecular consequence: missense variant.
Genome position (GRCh38, 1-based): chr5:115,620,549, A>C on the plus strand (T>G on the coding strand, the complement: TMED7 is on the minus strand). VCF-style: chr5-115620549-A-C. GRCh37 (hg19) VCF-style: chr5-114956246-A-C.
Other names: c.324T>G, p.Phe108Leu (NM_001164468.4, NM_001164469.4); short protein forms F108L.
Identifiers: ClinVar variation 2971478 (VCV002971478.3), dbSNP rs2531893634, ClinGen allele CA360713773.
Genomic context (GRCh38, chr5:115,620,549, plus strand): 5'-AACTTGAAAATCAAAATATACAGTTTTATGTGTGAAAGTAGAAAATTCATTGCTGAAGCA[A>C]AATTTGTATGTCCCATTTTTGGAGGCTGTGAAGGTAAAACTATCATACTGTTTCTTCATC-3'
Protein context (NP_861974.1, residues 98-118): FTASKNGTYK[Phe108Leu]CFSNEFSTFT

ClinVar aggregate classification (germline): Uncertain significance (1 of 4 stars; one submission).

Submission:

Labcorp Genetics (formerly Invitae), Labcorp
Classification: Uncertain significance. Last evaluated: 2023-06-24. Review status: criteria provided, single submitter. Criteria: Invitae Variant Classification Sherloc (09022015). Collection method: clinical testing. Allele origin: germline.
Comment: This variant is not present in population databases (gnomAD no frequency). An algorithm developed to predict the effect of missense changes on protein structure and function (PolyPhen-2) suggests that this variant is likely to be disruptive. This variant has not been reported in the literature in individuals affected with TMED7-related conditions. This sequence change replaces phenylalanine, which is neutral and non-polar, with leucine, which is neutral and non-polar, at codon 108 of the TMED7 protein (p.Phe108Leu). In summary, the available evidence is currently insufficient to determine the role of this variant in disease. Therefore, it has been classified as a Variant of Uncertain Significance.